The following is an entry in ClinVar:

NM_000388.4(CASR):c.2038C>T (p.Arg680Cys)

Gene: CASR (calcium sensing receptor; plus strand). Cytogenetic location: 3q21.1.
Variant type: single nucleotide variant.
Coding change: c.2038C>T on transcript NM_000388.4 (MANE Select); coding-DNA position 2038, C replaced by T.
Protein change: p.Arg680Cys; replaces arginine 680 with cysteine.
Molecular consequence: missense variant.
Genome position (GRCh38, 1-based): chr3:122,283,992, C>T. VCF-style: chr3-122283992-C-T. GRCh37 (hg19) VCF-style: chr3-122002839-C-T.
Other names: c.2068C>T, p.Arg690Cys (NM_001178065.2); short protein forms R680C, R690C.
Identifiers: ClinVar variation 410347 (VCV000410347.15), dbSNP rs767363250, ClinGen allele CA2569772.
Genomic context (GRCh38, chr3:122,283,992, plus strand): 5'-TGCTGCTTCTCCAGCTCCCTGTTCTTCATCGGGGAGCCCCAGGACTGGACGTGCCGCCTG[C>T]GCCAGCCGGCCTTTGGCATCAGCTTCGTGCTCTGCATCTCATGCATCCTGGTGAAAACCA-3'
Protein context (NP_000379.3, residues 670-690): GEPQDWTCRL[Arg680Cys]QPAFGISFVL

ClinVar aggregate classification (germline): Pathogenic. Review status: criteria provided, multiple submitters, no conflicts (2 of 4 stars). 5 submissions from 5 submitters: Pathogenic (5). Last evaluated 2025-12-08.

Conditions:
Familial hypocalciuric hypercalcemia 1. Also called: Hypercalcemia, familial benign type 1. Identifiers: Orphanet 405, Orphanet 93372, MedGen C0342637, MONDO:0007791, OMIM 145980.
Autosomal dominant hypocalcemia 1 (HYPOC1). Also called: HYPOCALCEMIA, FAMILIAL. Identifiers: MedGen C3715128, MONDO:0011013, OMIM 601198.
Neonatal severe primary hyperparathyroidism. Identifiers: Orphanet 417, MedGen C1832615, MONDO:0009397, OMIM 239200.
Epilepsy, idiopathic generalized, susceptibility to, 8. Identifiers: MedGen C2752062, MONDO:0013032, OMIM 612899.
Familial hypocalciuric hypercalcemia (FHH). Also called: Familial benign hypercalcemia. Identifiers: Orphanet 405, MedGen C1809471, MONDO:0018458.

Allele frequency attached by ClinVar (database versions not stated): gnomAD exomes below 0.00001 and 0.00001; gnomAD 0.00001; ExAC 0.00001.
gnomAD v4.1: 11 of 1,613,656 alleles (0.00068%); highest among the groups gnomAD compares: African/African-American, 0.0013%; no homozygotes.

Submissions (5):

Labcorp Genetics (formerly Invitae), Labcorp
Classification: Pathogenic for Familial hypocalciuric hypercalcemia; Autosomal dominant hypocalcemia 1. Last evaluated: 2025-12-08. Review status: criteria provided, single submitter. Criteria: Invitae Variant Classification Sherloc (09022015). Collection method: clinical testing. Allele origin: germline.
Comment: This sequence change replaces arginine, which is basic and polar, with cysteine, which is neutral and slightly polar, at codon 680 of the CASR protein (p.Arg680Cys). The frequency data for this variant in the population databases is considered unreliable, as metrics indicate poor data quality at this position in the gnomAD database. This missense change has been observed in individual(s) with familial hypocalciuric hypercalcemia and/or neonatal severe hyperparathyroidism (PMID: 8675635, 15241688, 32347971, 32386559). It has also been observed to segregate with disease in related individuals. ClinVar contains an entry for this variant (Variation ID: 410347). An algorithm developed to predict the effect of missense changes on protein structure and function (PolyPhen-2) suggests that this variant is likely to be disruptive. Experimental studies have shown that this missense change affects CASR function (PMID: 8878438, 17284438, 19389809, 22798347, 23372019, 32386559). This variant disrupts the p.Arg680 amino acid residue in CASR. Other variant(s) that disrupt this residue have been determined to be pathogenic (PMID: 19179454, 22798347, 23372019, 26646938, 26963950, 27666534, 32347971; internal data). This suggests that this residue is clinically significant, and that variants that disrupt this residue are likely to be disease-causing. For these reasons, this variant has been classified as Pathogenic.

Cardiovascular Genetics Laboratory, PathWest Laboratory Medicine WA - Fiona Stanley Hospital
Classification: Pathogenic for Familial hypocalciuric hypercalcemia 1. Last evaluated: 2025-02-20. Review status: criteria provided, single submitter. Criteria: ACMG Guidelines, 2015. Collection method: clinical testing. Allele origin: germline. Affected: yes.

Fulgent Genetics
Classification: Pathogenic for Familial hypocalciuric hypercalcemia 1; Neonatal severe primary hyperparathyroidism; Autosomal dominant hypocalcemia 1; Epilepsy, idiopathic generalized, susceptibility to, 8. Last evaluated: 2024-03-14. Review status: criteria provided, single submitter. Criteria: ACMG Guidelines, 2015. Collection method: clinical testing. Allele origin: germline.

Women's Health and Genetics/Laboratory Corporation of America, LabCorp
Classification: Pathogenic for Familial hypocalciuric hypercalcemia. Last evaluated: 2022-10-20. Review status: criteria provided, single submitter. Criteria: LabCorp Variant Classification Summary - May 2015. Collection method: clinical testing. Allele origin: germline.
Comment: Variant summary: CASR c.2038C>T (p.Arg680Cys) results in a non-conservative amino acid change located in the GPCR family 3, C-terminal domain (IPR017978) of the encoded protein sequence. Five of five in-silico tools predict a damaging effect of the variant on protein function. The variant allele was found at a frequency of 4e-06 in 251154 control chromosomes. c.2038C>T has been widely reported in the literature in individuals affected with features of Familial Hypocalciuric Hypercalcemia/Familial benign hypercalcemia (example, Pearce_1995, Mouly_2020). These data indicate that the variant is likely to be associated with disease. At least one publication reports experimental evidence evaluating an impact on protein function (Pearce_1996). The most pronounced variant effect results in lack of responsiveness to gadolinium or calcium ions (<10% of normal activity) and severely reduced N-linked glycosylation despite normal receptor expression on the cell membrane. Two clinical diagnostic laboratories have submitted clinical-significance assessments for this variant to ClinVar after 2014 without evidence for independent evaluation. All laboratories classified the variant as likely pathogenic. Based on the evidence outlined above, the variant was classified as pathogenic.

Athena Diagnostics
Classification: Pathogenic. Last evaluated: 2022-01-27. Review status: criteria provided, single submitter. Criteria: Athena Diagnostics Criteria. Collection method: clinical testing. Allele origin: unknown.
Comment: The frequency of this variant in the general population is consistent with pathogenicity. This variant appears to be associated with disease in at least one family. At least one other missense variant at this codon is considered to be pathogenic or likely pathogenic, suggesting this variant may also cause disease. Assessment of experimental evidence suggests this variant results in abnormal protein function. This variant caused significant alterations in calcium potency and/or efficacy (PMID: 8878438, 22798347, 17284438). Computational tools predict that this variant is damaging.

Literature cited by the submitters: PubMed 8675635 (cited by 4 submitters); PubMed 15241688 (cited by Labcorp Genetics (formerly Invitae), Labcorp and Athena Diagnostics); PubMed 32347971 (cited by 3 submitters); PubMed 32386559 (cited by Labcorp Genetics (formerly Invitae), Labcorp and Athena Diagnostics); PubMed 8878438 (cited by 4 submitters); PubMed 17284438 (cited by Labcorp Genetics (formerly Invitae), Labcorp and Athena Diagnostics); PubMed 19389809 (cited by Labcorp Genetics (formerly Invitae), Labcorp); PubMed 22798347 (cited by 3 submitters); PubMed 23372019 (cited by Labcorp Genetics (formerly Invitae), Labcorp); PubMed 19179454 (cited by Labcorp Genetics (formerly Invitae), Labcorp); PubMed 26646938 (cited by Labcorp Genetics (formerly Invitae), Labcorp); PubMed 26963950 (cited by Labcorp Genetics (formerly Invitae), Labcorp); PubMed 27666534 (cited by Labcorp Genetics (formerly Invitae), Labcorp); PubMed 34887979 (cited by Cardiovascular Genetics Laboratory, PathWest Laboratory Medicine WA - Fiona Stanley Hospital and Athena Diagnostics); PubMed 19953642 (cited by Cardiovascular Genetics Laboratory, PathWest Laboratory Medicine WA - Fiona Stanley Hospital and Athena Diagnostics); PubMed 31433865 (cited by Cardiovascular Genetics Laboratory, PathWest Laboratory Medicine WA - Fiona Stanley Hospital and Athena Diagnostics); PubMed 11762699 (cited by Women's Health and Genetics/Laboratory Corporation of America, LabCorp); PubMed 11013439 (cited by Women's Health and Genetics/Laboratory Corporation of America, LabCorp); PubMed 17979873 (cited by Women's Health and Genetics/Laboratory Corporation of America, LabCorp).